The following is an entry in ClinVar:

ClinVar aggregate classification (germline): Uncertain significance (1 of 4 stars; one submission).

Allele frequency attached by ClinVar (database versions not stated): gnomAD exomes below 0.00001.
gnomAD v4.1: 5 of 1,612,796 alleles (0.00031%); highest among the groups gnomAD compares: Non-Finnish European, 0.00034%; no homozygotes.

Submission:

Labcorp Genetics (formerly Invitae), Labcorp
Classification: Uncertain significance. Last evaluated: 2020-05-20. Review status: criteria provided, single submitter. Criteria: Invitae Variant Classification Sherloc (09022015). Collection method: clinical testing. Allele origin: germline.
Comment: In summary, the available evidence is currently insufficient to determine the role of this variant in disease. Therefore, it has been classified as a Variant of Uncertain Significance. Algorithms developed to predict the effect of missense changes on protein structure and function are either unavailable or do not agree on the potential impact of this missense change (SIFT: "Deleterious"; PolyPhen-2: "Possibly Damaging"; Align-GVGD: "Class C0"). This variant has not been reported in the literature in individuals with RGS9-related conditions. This variant is not present in population databases (ExAC no frequency). This sequence change replaces glycine with arginine at codon 7 of the RGS9 protein (p.Gly7Arg). The glycine residue is highly conserved and there is a moderate physicochemical difference between glycine and arginine.

NM_003835.4(RGS9):c.19G>C (p.Gly7Arg)

Genes: RGS9 (regulator of G protein signaling 9; plus strand), LOC130061461 (ATAC-STARR-seq lymphoblastoid silent region 8861; plus strand). Cytogenetic location: 17q24.1.
Variant type: single nucleotide variant.
Coding change: c.19G>C on transcript NM_003835.4 (MANE Select); coding-DNA position 19, G replaced by C.
Protein change: p.Gly7Arg; replaces glycine 7 with arginine.
Molecular consequence: missense variant.
Genome position (GRCh38, 1-based): chr17:65,137,559, G>C. VCF-style: chr17-65137559-G-C. GRCh37 (hg19) VCF-style: chr17-63133677-G-C.
Other names: c.19G>C, p.Gly7Arg (NM_001081955.3, NM_001165933.2); short protein forms G7R.
Identifiers: ClinVar variation 1062407 (VCV001062407.9), dbSNP rs1252949879, ClinGen allele CA400660235.